The following is an entry in ClinVar:

NM_000431.4(MVK):c.686C>T (p.Ala229Val)

Gene: MVK (mevalonate kinase; plus strand). Cytogenetic location: 12q24.11.
Variant type: single nucleotide variant.
Coding change: c.686C>T on transcript NM_000431.4 (MANE Select); coding-DNA position 686, C replaced by T.
Protein change: p.Ala229Val; replaces alanine 229 with valine.
Molecular consequence: missense variant. On other transcripts: non-coding transcript variant (3).
Genome position (GRCh38, 1-based): chr12:109,590,779, C>T. VCF-style: chr12-109590779-C-T. GRCh37 (hg19) VCF-style: chr12-110028584-C-T.
Other names: c.686C>T, p.Ala229Val (NM_001114185.3, NM_001414511.1, NM_001414513.1); c.530C>T, p.Ala177Val (NM_001301182.2, NM_001414514.1); c.761C>T, p.Ala254Val (NM_001414512.1); c.104C>T, p.Ala35Val (NM_001414515.1); short protein forms A177V, A229V, A254V, A35V.
Identifiers: ClinVar variation 3751272 (VCV003751272.2).

ClinVar aggregate classification (germline): Uncertain significance (1 of 4 stars; one submission).

Conditions:
Mevalonic aciduria (MEVA). Identifiers: Orphanet 29, MedGen C1959626, MONDO:0012481, OMIM 610377.
Hyperimmunoglobulin D with periodic fever (HIDS). Also called: Hyperimmunoglobulinemia D with periodic fever; HYPERIMMUNOGLOBULINEMIA D AND PERIODIC FEVER SYNDROME; Hyperimmunoglobulinemia D. Identifiers: Orphanet 343, MedGen C0398691, MONDO:0009849, OMIM 260920.
Porokeratosis 3, disseminated superficial actinic type (POROK3). Also called: POROKERATOSIS, DISSEMINATED SUPERFICIAL ACTINIC, 1; POROKERATOSIS 3, MULTIPLE TYPES; POROKERATOSIS 3, MIBELLI TYPE. Identifiers: MedGen C1867981, MONDO:0008293, OMIM 175900.

gnomAD v4.1: 3 of 1,614,186 alleles (0.00019%); highest among the groups gnomAD compares: South Asian, 0.0033%; no homozygotes.

Submission:

Labcorp Genetics (formerly Invitae), Labcorp
Classification: Uncertain significance for Mevalonic aciduria; Hyperimmunoglobulin D with periodic fever; Porokeratosis 3, disseminated superficial actinic type. Last evaluated: 2024-10-03. Review status: criteria provided, single submitter. Criteria: Invitae Variant Classification Sherloc (09022015). Collection method: clinical testing. Allele origin: germline.
Comment: This sequence change replaces alanine, which is neutral and non-polar, with valine, which is neutral and non-polar, at codon 229 of the MVK protein (p.Ala229Val). This variant is not present in population databases (gnomAD no frequency). This variant has not been reported in the literature in individuals affected with MVK-related conditions. An algorithm developed to predict the effect of missense changes on protein structure and function outputs the following: PolyPhen-2: "Benign". The valine amino acid residue is found in multiple mammalian species, which suggests that this missense change does not adversely affect protein function. In summary, the available evidence is currently insufficient to determine the role of this variant in disease. Therefore, it has been classified as a Variant of Uncertain Significance.